The following is an entry in ClinVar:

NM_144643.4(SCLT1):c.337T>A (p.Phe113Ile)

Gene: SCLT1 (sodium channel and clathrin linker 1; minus strand). Cytogenetic location: 4q28.2.
Variant type: single nucleotide variant.
Coding change: c.337T>A on transcript NM_144643.4 (MANE Select); coding-DNA position 337, T replaced by A.
Protein change: p.Phe113Ile; replaces phenylalanine 113 with isoleucine.
Molecular consequence: missense variant.
Genome position (GRCh38, 1-based): chr4:129,003,830, A>T on the plus strand (T>A on the coding strand, the complement: SCLT1 is on the minus strand). VCF-style: chr4-129003830-A-T. GRCh37 (hg19) VCF-style: chr4-129924985-A-T.
Other names: c.337T>A, p.Phe113Ile (NM_001410807.1); c.337T>A (NM_144643.2); short protein forms F113I.
Identifiers: ClinVar variation 1926270 (VCV001926270.4), dbSNP rs372125375, ClinGen allele CA105715742.
Genomic context (GRCh38, chr4:129,003,830, plus strand): 5'-GGTTTCTGACTGTTTCATCATCTGCATATATGTCAGTTCCTACCTCTGTGCCCAGGGGAA[A>T]GGCCTCCAATTTTTTTTCAACAGCATCTTTTAATTCACTGTGCAACCTTTGAAACAAATA-3'
Protein context (NP_653244.2, residues 103-123): KDAVEKKLEA[Phe113Ile]PLGTEVGTDI

ClinVar aggregate classification (germline): Uncertain significance. Review status: criteria provided, multiple submitters, no conflicts (2 of 4 stars). 2 submissions from 2 submitters: Uncertain significance (2). Last evaluated 2024-12-03.

Allele frequency attached by ClinVar (database versions not stated): gnomAD exomes below 0.00001; gnomAD 0.00003; ESP Exome Variant Server 0.00008.
gnomAD v4.1: 9 of 1,611,868 alleles (0.00056%); highest among the groups gnomAD compares: African/African-American, 0.012%; no homozygotes.

Submissions (2):

Ambry Genetics
Classification: Uncertain significance. Last evaluated: 2024-12-03. Review status: criteria provided, single submitter. Criteria: Ambry Variant Classification Scheme 2023. Collection method: clinical testing. Allele origin: germline.

Labcorp Genetics (formerly Invitae), Labcorp
Classification: Uncertain significance. Last evaluated: 2021-12-24. Review status: criteria provided, single submitter. Criteria: Invitae Variant Classification Sherloc (09022015). Collection method: clinical testing. Allele origin: germline.
Comment: In summary, the available evidence is currently insufficient to determine the role of this variant in disease. Therefore, it has been classified as a Variant of Uncertain Significance. Algorithms developed to predict the effect of missense changes on protein structure and function output the following: SIFT: "Tolerated"; PolyPhen-2: "Benign"; Align-GVGD: "Class C0". The isoleucine amino acid residue is found in multiple mammalian species, which suggests that this missense change does not adversely affect protein function. This variant has not been reported in the literature in individuals affected with SCLT1-related conditions. The frequency data for this variant in the population databases is considered unreliable, as metrics indicate poor data quality at this position in the gnomAD database. This sequence change replaces phenylalanine, which is neutral and non-polar, with isoleucine, which is neutral and non-polar, at codon 113 of the SCLT1 protein (p.Phe113Ile).